The following is an entry in ClinVar:

ClinVar aggregate classification (germline): Uncertain significance (1 of 4 stars; one submission).

Conditions:
Oculodentodigital dysplasia, autosomal recessive. Also called: OCULODENTOOSSEOUS DYSPLASIA, AUTOSOMAL RECESSIVE; ODDD, AUTOSOMAL RECESSIVE; ODOD, AUTOSOMAL RECESSIVE. Identifiers: Orphanet 2710, MedGen C2749477, MONDO:0009768, OMIM 257850.

Submission:

Labcorp Genetics (formerly Invitae), Labcorp
Classification: Uncertain significance for Oculodentodigital dysplasia, autosomal recessive. Last evaluated: 2022-04-22. Review status: criteria provided, single submitter. Criteria: Invitae Variant Classification Sherloc (09022015). Collection method: clinical testing. Allele origin: germline.
Comment: This variant has not been reported in the literature in individuals affected with GJA1-related conditions. This variant is not present in population databases (gnomAD no frequency). Algorithms developed to predict the effect of missense changes on protein structure and function are either unavailable or do not agree on the potential impact of this missense change (SIFT: "Tolerated"; PolyPhen-2: "Probably Damaging"; Align-GVGD: "Class C0"). This sequence change replaces alanine, which is neutral and non-polar, with glycine, which is neutral and non-polar, at codon 51 of the GJA1 protein (p.Ala51Gly). In summary, the available evidence is currently insufficient to determine the role of this variant in disease. Therefore, it has been classified as a Variant of Uncertain Significance.

NM_000165.5(GJA1):c.152C>G (p.Ala51Gly)

Gene: GJA1 (gap junction protein alpha 1; plus strand). Cytogenetic location: 6q22.31.
Variant type: single nucleotide variant.
Coding change: c.152C>G on transcript NM_000165.5 (MANE Select); coding-DNA position 152, C replaced by G.
Protein change: p.Ala51Gly; replaces alanine 51 with glycine.
Molecular consequence: missense variant.
Genome position (GRCh38, 1-based): chr6:121,446,999, C>G. VCF-style: chr6-121446999-C-G. GRCh37 (hg19) VCF-style: chr6-121768145-C-G.
Other names: short protein forms A51G.
Identifiers: ClinVar variation 2114301 (VCV002114301.4), dbSNP rs2536821253, ClinGen allele CA365558026.